The following is an entry in ClinVar:

NM_001354604.2(MITF):c.1056C>T (p.Thr352=)

Gene: MITF (melanocyte inducing transcription factor; plus strand). Cytogenetic location: 3p13.
Variant type: single nucleotide variant.
Coding change: c.1056C>T on transcript NM_001354604.2 (MANE Select); coding-DNA position 1056, C replaced by T.
Protein change: p.Thr352=; no amino-acid change (threonine 352 retained).
Molecular consequence: synonymous variant.
Genome position (GRCh38, 1-based): chr3:69,959,297, C>T. VCF-style: chr3-69959297-C-T. GRCh37 (hg19) VCF-style: chr3-70008448-C-T.
Other names: c.735C>T, p.Thr245= (NM_000248.4); c.882C>T, p.Thr294= (NM_001184967.2, NM_001354608.2); c.1053C>T, p.Thr351= (NM_001354605.2); c.1035C>T, p.Thr345= (NM_001354606.2, NM_006722.3); c.987C>T, p.Thr329= (NM_001354607.2); c.717C>T, p.Thr239= (NM_198158.3); c.1038C>T, p.Thr346= (NM_198159.3); c.990C>T, p.Thr330= (NM_198177.3); and 1 more.
Identifiers: ClinVar variation 902085 (VCV000902085.8), dbSNP rs766006413, ClinGen allele CA2490564.

ClinVar aggregate classification (germline): Likely benign. Review status: criteria provided, multiple submitters, no conflicts (2 of 4 stars). 5 submissions from 4 submitters: Likely benign (5). Last evaluated 2026-01-21.

Conditions:
Tietz syndrome (TADS). Also called: TIETZ ALBINISM-DEAFNESS SYNDROME; HYPOPIGMENTATION/DEAFNESS OF TIETZ; ALBINISM-DEAFNESS OF TIETZ. Identifiers: Orphanet 42665, MedGen C0391816, MONDO:0007077, OMIM 103500.
Waardenburg syndrome type 2A (WS2A). Also called: WAARDENBURG SYNDROME WITHOUT DYSTOPIA CANTHORUM. Identifiers: Orphanet 3440, MedGen C1860339, MONDO:0008671, OMIM 193510.
Melanoma, cutaneous malignant, susceptibility to, 8. Also called: Cutaneous malignant melanoma 8; MELANOMA AND RENAL CELL CARCINOMA, SUSCEPTIBILITY TO. Identifiers: Orphanet 293822, MedGen C3152204, MONDO:0013759, OMIM 614456.
Hereditary cancer-predisposing syndrome. Also called: Hereditary Cancer Syndrome; Tumor predisposition; Neoplastic Syndromes, Hereditary; Hereditary neoplastic syndrome. Identifiers: Orphanet 140162, MedGen C0027672, MeSH D009386, MONDO:0015356.

Allele frequency attached by ClinVar (database versions not stated): gnomAD 0.00001; gnomAD exomes 0.00001 and 0.00003; TOPMed 0.00001; ExAC 0.00002.
gnomAD v4.1: 42 of 1,613,880 alleles (0.0026%); highest among the groups gnomAD compares: Non-Finnish European, 0.0033%; no homozygotes.

Submissions (5):

Labcorp Genetics (formerly Invitae), Labcorp
Classification: Likely benign for Melanoma, cutaneous malignant, susceptibility to, 8; Waardenburg syndrome type 2A; Tietz syndrome. Last evaluated: 2026-01-21. Review status: criteria provided, single submitter. Criteria: Invitae Variant Classification Sherloc (09022015). Collection method: clinical testing. Allele origin: germline.

Ambry Genetics
Classification: Likely benign for Hereditary cancer-predisposing syndrome. Last evaluated: 2024-12-20. Review status: criteria provided, single submitter. Criteria: Ambry Variant Classification Scheme 2023. Collection method: clinical testing. Allele origin: germline.

Blueprint Genetics
Classification: Likely benign. Last evaluated: 2020-06-07. Review status: criteria provided, single submitter. Criteria: ACMG Guidelines, 2015. Collection method: clinical testing. Allele origin: germline.

Illumina Laboratory Services, Illumina
Classification: Likely benign for Waardenburg syndrome type 2A. Last evaluated: 2018-01-13. Review status: criteria provided, single submitter. Criteria: ICSL Variant Classification Criteria 13 December 2019. Collection method: clinical testing. Allele origin: germline.
Comment: This variant was observed in the ICSL laboratory as part of a predisposition screen in an ostensibly healthy population. It had not been previously curated by ICSL or reported in the Human Gene Mutation Database (HGMD: prior to June 1st, 2018), and was therefore a candidate for classification through an automated scoring system. Utilizing variant allele frequency, disease prevalence and penetrance estimates, and inheritance mode, an automated score was calculated to assess if this variant is too frequent to cause the disease. Based on the score and internal cut-off values, a variant classified as likely benign is not then subjected to further curation. The score for this variant resulted in a classification of likely benign for this disease.

Illumina Laboratory Services, Illumina
Classification: Likely benign for Tietz syndrome. Last evaluated: 2018-01-13. Review status: criteria provided, single submitter. Criteria: ICSL Variant Classification Criteria 13 December 2019. Collection method: clinical testing. Allele origin: germline.
Comment: the same text as in the submission from Illumina Laboratory Services, Illumina above.